The following is an entry in ClinVar:

NC_000011.10:g.47335210del

Gene: MYBPC3 (myosin binding protein C3; minus strand). Cytogenetic location: 11p11.2.
Variant type: Deletion.
Genome position: GRCh38 VCF-style: chr11-47335208-GC-G. GRCh37 (hg19) VCF-style: chr11-47356759-GC-G.
Identifiers: ClinVar variation 1074099 (VCV001074099.8), dbSNP rs2142853045, ClinGen allele CA2499220965.

ClinVar aggregate classification (germline): Pathogenic/Likely pathogenic. Review status: criteria provided, multiple submitters, no conflicts (2 of 4 stars). 2 submissions from 2 submitters: Pathogenic (1); Likely pathogenic (1). Last evaluated 2021-12-13.

Conditions:
Hypertrophic cardiomyopathy. Also called: HYPERTROPHIC MYOCARDIOPATHY. Identifiers: Orphanet 217569, MedGen C0007194, MeSH D002312, MONDO:0005045, HP:0001639.
MYBPC3-related disorder. Also called: MYBPC3-related disorders; MYBPC3-related condition; MYBPC3-related disease.

Submissions (2):

Blueprint Genetics
Classification: Likely pathogenic for MYBPC3-related disorders. Last evaluated: 2021-12-13. Review status: criteria provided, single submitter. Criteria: ACMG Guidelines, 2015. Collection method: clinical testing. Allele origin: germline. Affected: yes. Observed: 1 variant allele.

Labcorp Genetics (formerly Invitae), Labcorp
Classification: Pathogenic for Hypertrophic cardiomyopathy. Last evaluated: 2020-10-15. Review status: criteria provided, single submitter. Criteria: Invitae Variant Classification Sherloc (09022015). Collection method: clinical testing. Allele origin: germline.
Comment: For these reasons, this variant has been classified as Pathogenic. Loss-of-function variants in MYBPC3 are known to be pathogenic (PMID: 19574547). Algorithms developed to predict the effect of sequence changes on RNA splicing suggest that this variant may create or strengthen a splice site, but this prediction has not been confirmed by published transcriptional studies. This variant has not been reported in the literature in individuals with MYBPC3-related conditions. This variant is not present in population databases (ExAC no frequency). This sequence change creates a premature translational stop signal (p.Cys913Serfs*11) in the MYBPC3 gene. It is expected to result in an absent or disrupted protein product.

Literature cited by the submitters: PubMed 19574547 (cited by Labcorp Genetics (formerly Invitae), Labcorp).